The following is an entry in ClinVar:

ClinVar aggregate classification (germline): Likely pathogenic (1 of 4 stars; one submission).

Conditions:
Dilated cardiomyopathy 1G (CMD1G). Identifiers: Orphanet 154, MedGen C1858763, MONDO:0011400, OMIM 604145.
Autosomal recessive limb-girdle muscular dystrophy type 2J (LGMDR10). Also called: Limb-girdle muscular dystrophy, type 2J; MUSCULAR DYSTROPHY, LIMB-GIRDLE, AUTOSOMAL RECESSIVE 10. Identifiers: Orphanet 140922, MedGen C1837342, MONDO:0012127, OMIM 608807.

Submission:

Labcorp Genetics (formerly Invitae), Labcorp
Classification: Likely pathogenic for Dilated cardiomyopathy 1G; Autosomal recessive limb-girdle muscular dystrophy type 2J. Last evaluated: 2023-08-16. Review status: criteria provided, single submitter. Criteria: Invitae Variant Classification Sherloc (09022015). Collection method: clinical testing. Allele origin: germline.
Comment: In summary, the currently available evidence indicates that the variant is pathogenic, but additional data are needed to prove that conclusively. Therefore, this variant has been classified as Likely Pathogenic. This variant is located in the A band of TTN (PMID: 25589632). Truncating variants in this region are significantly overrepresented in patients affected with dilated cardiomyopathy (PMID: 25589632). Truncating variants in this region have also been reported in individuals affected with autosomal recessive centronuclear myopathy (PMID: 23975875). This variant has not been reported in the literature in individuals affected with TTN-related conditions. This variant is not present in population databases (gnomAD no frequency). This sequence change creates a premature translational stop signal (p.Ile22636Asnfs*20) in the TTN gene. While this is not anticipated to result in nonsense mediated decay, it is expected to create a truncated TTN protein.

Literature cited by the submitters: PubMed 25589632; PubMed 23975875.

NM_001267550.2(TTN):c.67901_67904dup (p.Ile22636fs)

Genes: TTN-AS1 (TTN antisense RNA 1; plus strand), TTN (titin; minus strand), LOC126806423 (CDK7 strongly-dependent group 2 enhancer GRCh37_chr2:179443309-179444508; plus strand). Cytogenetic location: 2q31.2.
Variant type: Duplication.
Coding change: c.67901_67904dup on transcript NM_001267550.2 (MANE Select); coding-DNA positions 67901 to 67904, 4 bases duplicated (GAAC; older notation c.67901_67904dupGAAC).
Protein change: p.Ile22636fs; shifts the reading frame from isoleucine 22636.
Molecular consequence: frameshift variant.
Genome position (GRCh38, 1-based): chr2:178,579,126-178,579,129, GTTC duplicated on the plus strand (GAAC on the coding strand, the reverse complement: TTN is on the minus strand). VCF-style (leftmost placement, unchanged base first): chr2-178579125-A-AGTTC. GRCh37 (hg19) VCF-style: chr2-179443852-A-AGTTC.
Other names: c.62978_62981dup, p.Ile20995fs (NM_001256850.1); c.40706_40709dup, p.Ile13571fs (NM_003319.4); c.60197_60200dup, p.Ile20068fs (NM_133378.4); c.41081_41084dup, p.Ile13696fs (NM_133432.3); c.41282_41285dup, p.Ile13763fs (NM_133437.4); short protein forms I13571fs, I13696fs, I13763fs, I20995fs, I22636fs, I20068fs.
Identifiers: ClinVar variation 2951036 (VCV002951036.3), dbSNP rs2468869369, ClinGen allele CA2740096045.